The following is an entry in ClinVar:

NM_006912.6(RIT1):c.547C>G (p.Arg183Gly)

Gene: RIT1 (Ras like without CAAX 1; minus strand). Cytogenetic location: 1q22.
Variant type: single nucleotide variant.
Coding change: c.547C>G on transcript NM_006912.6 (MANE Select); coding-DNA position 547, C replaced by G.
Protein change: p.Arg183Gly; replaces arginine 183 with glycine.
Molecular consequence: missense variant.
Genome position (GRCh38, 1-based): chr1:155,900,501, G>C on the plus strand (C>G on the coding strand, the complement: RIT1 is on the minus strand). VCF-style: chr1-155900501-G-C. GRCh37 (hg19) VCF-style: chr1-155870292-G-C.
Other names: c.547C>G, p.Arg183Gly (LRG_1372t1); c.439C>G, p.Arg147Gly (NM_001256820.2); c.598C>G, p.Arg200Gly (NM_001256821.2); short protein forms R183G, R147G, R200G.
Identifiers: ClinVar variation 392928 (VCV000392928.2), dbSNP rs770853133, ClinGen allele CA16603460.

ClinVar aggregate classification (germline): Uncertain significance (1 of 4 stars; one submission).

Submission:

GeneDx
Classification: Uncertain significance. Last evaluated: 2017-01-12. Review status: criteria provided, single submitter. Criteria: GeneDx Variant Classification (06012015). Collection method: clinical testing. Allele origin: germline. Affected: yes.
Comment: The R183G variant has not beenpublished as a pathogenic variant, nor has it been reported as a benign variant to our knowledge. It was not observedin approximately 6,500 individuals of European and African American ancestry in the NHLBI Exome SequencingProject, indicating it is not a common benign variant in these populations. In addition, the R183G variant is anon-conservative amino acid substitution, which is likely to impact secondary protein structure as these residues differin polarity, charge, size and/or other properties. Moreover, this substitution occurs at a position that is conservedacross species, and in silico analysis predicts this variant is probably damaging to the protein structure/function.Nonetheless, this variant lacks observation in a significant number of affected individuals, segregation data, andfunctional evidence, all of which would further clarify pathogenicity